The following is an entry in ClinVar:

NM_018294.6(CWF19L1):c.1419A>C (p.Thr473=)

Gene: CWF19L1 (CWF19 like cell cycle control factor 1; minus strand). Cytogenetic location: 10q24.31.
Variant type: single nucleotide variant.
Coding change: c.1419A>C on transcript NM_018294.6 (MANE Select); coding-DNA position 1419, A replaced by C.
Protein change: p.Thr473=; no amino-acid change (threonine 473 retained).
Molecular consequence: synonymous variant.
Genome position (GRCh38, 1-based): chr10:100,235,720, T>G on the plus strand (A>C on the coding strand, the complement: CWF19L1 is on the minus strand). VCF-style: chr10-100235720-T-G. GRCh37 (hg19) VCF-style: chr10-101995477-T-G.
Other names: c.1299A>C, p.Thr433= (NM_001303404.2); c.1008A>C, p.Thr336= (NM_001303405.2, NM_001303406.2); c.684A>C, p.Thr228= (NM_001303407.2).
Identifiers: ClinVar variation 715239 (VCV000715239.39), dbSNP rs139693285, ClinGen allele CA5646863.

ClinVar aggregate classification (germline): Likely benign. Review status: criteria provided, multiple submitters, no conflicts (2 of 4 stars). 3 submissions from 3 submitters: Likely benign (2). 1 of the submissions does not count toward it. Last evaluated 2023-10-01.

Conditions:
CWF19L1-related disorder. Also called: CWF19L1-related condition.

Allele frequency attached by ClinVar (database versions not stated): 1000 Genomes Project 0.00020; 1000 Genomes Project 30x 0.00047; TOPMed 0.00084; gnomAD exomes 0.00085 and 0.00142; gnomAD 0.00090 and 0.00094; ExAC 0.00118; ESP Exome Variant Server 0.00185.
gnomAD v4.1: 2,180 of 1,612,474 alleles (0.14%); highest among the groups gnomAD compares: Non-Finnish European, 0.17%; 2 homozygotes.

Submissions (3):

CeGaT Center for Human Genetics Tuebingen
Classification: Likely benign. Last evaluated: 2023-10-01. Review status: criteria provided, single submitter. Criteria: CeGaT Center For Human Genetics Tuebingen Variant Classification Criteria Version 2. Collection method: clinical testing. Allele origin: germline. Affected: yes. Observed: 3 variant alleles.
Comment: CWF19L1: BP4, BP7

Labcorp Genetics (formerly Invitae), Labcorp
Classification: Likely benign. Last evaluated: 2019-12-31. Review status: criteria provided, single submitter. Criteria: Invitae Variant Classification Sherloc (09022015). Collection method: clinical testing. Allele origin: germline.

PreventionGenetics, part of Exact Sciences
Classification: Likely benign for CWF19L1-related condition. Last evaluated: 2020-02-19. Review status: no assertion criteria provided. Collection method: clinical testing. Allele origin: germline. Not counted in ClinVar's aggregate classification.
Comment: This variant is classified as likely benign based on ACMG/AMP sequence variant interpretation guidelines (Richards et al. 2015 PMID: 25741868, with internal and published modifications).